The following is an entry in ClinVar:

ClinVar aggregate classification (germline): Likely benign. Review status: criteria provided, multiple submitters, no conflicts (2 of 4 stars). 3 submissions from 3 submitters: Likely benign (3). Last evaluated 2026-01-19.

Conditions:
FAT1-related disorder. Also called: FAT1-related condition.

Allele frequency attached by ClinVar (database versions not stated): gnomAD exomes 0.00003; gnomAD 0.00004; TOPMed 0.00004; ExAC 0.00011.
gnomAD v4.1: 58 of 1,613,770 alleles (0.0036%); highest among the groups gnomAD compares: South Asian, 0.033%; no homozygotes.

Submissions (3):

PreventionGenetics, part of Exact Sciences
Classification: Likely benign for FAT1-related condition. Last evaluated: 2026-01-19. Review status: criteria provided, single submitter. Criteria: ACMG Guidelines, 2015. Collection method: clinical testing. Allele origin: germline.
Comment: This variant is classified as likely benign based on ACMG/AMP sequence variant interpretation guidelines (Richards et al. 2015 PMID: 25741868, with internal and published modifications).

Labcorp Genetics (formerly Invitae), Labcorp
Classification: Likely benign. Last evaluated: 2025-05-27. Review status: criteria provided, single submitter. Criteria: Invitae Variant Classification Sherloc (09022015). Collection method: clinical testing. Allele origin: germline.

Blueprint Genetics
Classification: Likely benign. Last evaluated: 2024-11-13. Review status: criteria provided, single submitter. Criteria: ACMG Guidelines, 2015. Collection method: clinical testing. Allele origin: germline.

NM_005245.4(FAT1):c.543C>T (p.Asn181=)

Gene: FAT1 (FAT atypical cadherin 1; minus strand). Cytogenetic location: 4q35.2.
Variant type: single nucleotide variant.
Coding change: c.543C>T on transcript NM_005245.4 (MANE Select); coding-DNA position 543, C replaced by T.
Protein change: p.Asn181=; no amino-acid change (asparagine 181 retained).
Molecular consequence: synonymous variant.
Genome position (GRCh38, 1-based): chr4:186,709,285, G>A on the plus strand (C>T on the coding strand, the complement: FAT1 is on the minus strand). VCF-style: chr4-186709285-G-A. GRCh37 (hg19) VCF-style: chr4-187630439-G-A.
Other names: c.543C>T (NM_005245.3).
Identifiers: ClinVar variation 2188767 (VCV002188767.6), dbSNP rs777213391, ClinGen allele CA3167650.